The following is an entry in ClinVar:

ClinVar aggregate classification (germline): Likely benign (1 of 4 stars; one submission).

gnomAD v4.1: 54 of 1,610,172 alleles (0.0034%); highest among the groups gnomAD compares: Non-Finnish European, 0.0042%; no homozygotes.

Submission:

CeGaT Center for Human Genetics Tuebingen
Classification: Likely benign. Last evaluated: 2025-12-01. Review status: criteria provided, single submitter. Criteria: CeGaT Center For Human Genetics Tuebingen Variant Classification Criteria Version 2. Collection method: clinical testing. Allele origin: germline. Affected: yes. Observed: 1 variant allele.
Comment: PI4KA: BP4, BP7

NM_058004.4(PI4KA):c.6084G>A (p.Arg2028=)

Gene: PI4KA (phosphatidylinositol 4-kinase alpha; minus strand). Cytogenetic location: 22q11.21.
Variant type: single nucleotide variant.
Coding change: c.6084G>A on transcript NM_058004.4 (MANE Select); coding-DNA position 6084, G replaced by A.
Protein change: p.Arg2028=; no amino-acid change (arginine 2028 retained).
Molecular consequence: synonymous variant.
Genome position (GRCh38, 1-based): chr22:20,709,997, C>T on the plus strand (G>A on the coding strand, the complement: PI4KA is on the minus strand). VCF-style: chr22-20709997-C-T. GRCh37 (hg19) VCF-style: chr22-21064285-C-T.
Other names: c.5991G>A, p.Arg1997= (NM_001362862.2); c.6018G>A, p.Arg2006= (NM_001362863.2).
Identifiers: ClinVar variation 4681791 (VCV004681791.5).